The following is an entry in ClinVar:

ClinVar aggregate classification (germline): Uncertain significance (1 of 4 stars; one submission).

Submission:

Labcorp Genetics (formerly Invitae), Labcorp
Classification: Uncertain significance. Last evaluated: 2022-03-30. Review status: criteria provided, single submitter. Criteria: Invitae Variant Classification Sherloc (09022015). Collection method: clinical testing. Allele origin: germline.
Comment: This sequence change creates a premature translational stop signal (p.Val1017Alafs*14) in the DNA2 gene. It is expected to result in an absent or disrupted protein product. However, the current clinical and genetic evidence is not sufficient to establish whether loss-of-function variants in DNA2 cause disease. This variant is present in population databases (rs781479196, gnomAD 0.0009%). This variant has not been reported in the literature in individuals affected with DNA2-related conditions. In summary, the available evidence is currently insufficient to determine the role of this variant in disease. Therefore, it has been classified as a Variant of Uncertain Significance.

NM_001080449.3(DNA2):c.3050_3051del (p.Val1017fs)

Gene: DNA2 (DNA replication helicase/nuclease 2; minus strand). Cytogenetic location: 10q21.3.
Variant type: Microsatellite.
Coding change: c.3050_3051del on transcript NM_001080449.3 (MANE Select); coding-DNA positions 3050 to 3051, 2 bases deleted (TG; older notation c.3050_3051delTG).
Protein change: p.Val1017fs; shifts the reading frame from valine 1017.
Molecular consequence: frameshift variant. On other transcripts: non-coding transcript variant (1).
Genome position (GRCh38, 1-based): chr10:68,416,772-68,416,773, CA deleted on the plus strand (TG on the coding strand, the reverse complement: DNA2 is on the minus strand); deleting any 2 consecutive bases within chr10:68,416,772-68,416,778 gives the same sequence; the c. name uses the placement nearest the transcript's 3' end. VCF-style (leftmost placement, unchanged base first): chr10-68416771-GCA-G. GRCh37 (hg19) VCF-style: chr10-70176528-GCA-G.
Other names: short protein forms V1017fs.
Identifiers: ClinVar variation 2096373 (VCV002096373.4), dbSNP rs781479196, ClinGen allele CA5524673.